The following is an entry in ClinVar:

NM_015474.4(SAMHD1):c.1391G>T (p.Gly464Val)

Gene: SAMHD1 (SAM and HD domain containing deoxynucleoside triphosphate triphosphohydrolase 1; minus strand). Cytogenetic location: 20q11.23.
Variant type: single nucleotide variant.
Coding change: c.1391G>T on transcript NM_015474.4 (MANE Select); coding-DNA position 1391, G replaced by T.
Protein change: p.Gly464Val; replaces glycine 464 with valine.
Molecular consequence: missense variant.
Genome position (GRCh38, 1-based): chr20:36,905,383, C>A on the plus strand (G>T on the coding strand, the complement: SAMHD1 is on the minus strand). VCF-style: chr20-36905383-C-A. GRCh37 (hg19) VCF-style: chr20-35533786-C-A.
Other names: c.1391G>T, p.Gly464Val (NM_001363729.2, NM_001363733.2); short protein forms G464V.
Identifiers: ClinVar variation 1402434 (VCV001402434.3), dbSNP rs751309562, ClinGen allele CA9844521.
Genomic context (GRCh38, chr20:36,905,383, plus strand): 5'-GAGATAACCTTTCACTAATGGAAAGATGCCTGATAACTCACCCTTTTAATCTTTATTTGT[C>A]CTGTTGGCTGCGTCTCACCCACATACTTGAATAGATTACGGTATTCAATTTGTTTTAAAA-3'
Protein context (NP_056289.2, residues 454-474): FKYVGETQPT[Gly464Val]QIKIKREDYE

ClinVar aggregate classification (germline): Uncertain significance (1 of 4 stars; one submission).

Conditions:
Aicardi-Goutieres syndrome 5. Identifiers: Orphanet 51, MedGen C2749659, MONDO:0013059, OMIM 612952.

Allele frequency attached by ClinVar (database versions not stated): TOPMed below 0.00001; ExAC 0.00001; gnomAD exomes 0.00001 and 0.00002.
gnomAD v4.1: 7 of 1,614,018 alleles (0.00043%); highest among the groups gnomAD compares: Admixed American, 0.012%; no homozygotes.

Submission:

Labcorp Genetics (formerly Invitae), Labcorp
Classification: Uncertain significance for Aicardi-Goutieres syndrome 5. Last evaluated: 2022-09-06. Review status: criteria provided, single submitter. Criteria: Invitae Variant Classification Sherloc (09022015). Collection method: clinical testing. Allele origin: germline.
Comment: This sequence change replaces glycine, which is neutral and non-polar, with valine, which is neutral and non-polar, at codon 464 of the SAMHD1 protein (p.Gly464Val). This variant is present in population databases (rs751309562, gnomAD 0.009%). This variant has not been reported in the literature in individuals affected with SAMHD1-related conditions. ClinVar contains an entry for this variant (Variation ID: 1402434). Algorithms developed to predict the effect of missense changes on protein structure and function (SIFT, PolyPhen-2, Align-GVGD) all suggest that this variant is likely to be tolerated. In summary, the available evidence is currently insufficient to determine the role of this variant in disease. Therefore, it has been classified as a Variant of Uncertain Significance.